The following is an entry in ClinVar:

ClinVar aggregate classification (germline): Benign/Likely benign. Review status: criteria provided, multiple submitters, no conflicts (2 of 4 stars). 5 submissions from 5 submitters: Benign (2); Likely benign (3). Last evaluated 2026-02-01.

Conditions:
Connective tissue disorder. Also called: Connective tissue disease. Identifiers: MedGen C0009782, MONDO:0003900.

Allele frequency attached by ClinVar (database versions not stated): ESP Exome Variant Server 0.00100; TOPMed 0.00138; 1000 Genomes Project 30x 0.00172; 1000 Genomes Project 0.00180.
gnomAD v4.1: 389 of 1,609,482 alleles (0.024%); highest among the groups gnomAD compares: African/African-American, 0.5%; 1 homozygote.

Submissions (5):

Labcorp Genetics (formerly Invitae), Labcorp
Classification: Benign. Last evaluated: 2026-02-01. Review status: criteria provided, single submitter. Criteria: Invitae Variant Classification Sherloc (09022015). Collection method: clinical testing. Allele origin: germline.

Women's Health and Genetics/Laboratory Corporation of America, LabCorp
Classification: Benign. Last evaluated: 2024-11-12. Review status: criteria provided, single submitter. Criteria: LabCorp Variant Classification Summary - May 2015. Collection method: clinical testing. Allele origin: germline.
Comment: Variant summary: COL11A1 c.1945-7C>A alters a non-conserved nucleotide located close to a canonical splice site and therefore could affect mRNA splicing, leading to a significantly altered protein sequence. Consensus agreement among computation tools predict no significant impact on normal splicing. However, these predictions have yet to be confirmed by functional studies. The variant allele was found at a frequency of 0.00024 in 1602524 control chromosomes, predominantly at a frequency of 0.005 within the African or African-American subpopulation in the gnomAD database (v4.1 dataset), including 1 homozygote. The observed variant frequency within African or African-American control individuals in the gnomAD database exceeds the estimated maximal expected allele frequency for a pathogenic variant in COL11A1 causing Stickler Syndrome phenotype. To our knowledge, no occurrence of c.1945-7C>A in individuals affected with Stickler Syndrome and no experimental evidence demonstrating its impact on protein function have been reported. ClinVar contains an entry for this variant (Variation ID: 547203). Based on the evidence outlined above, the variant was classified as benign.

Blueprint Genetics
Classification: Likely benign. Last evaluated: 2024-11-01. Review status: criteria provided, single submitter. Criteria: ACMG Guidelines, 2015. Collection method: clinical testing. Allele origin: germline.

GeneDx
Classification: Likely benign. Last evaluated: 2021-02-12. Review status: criteria provided, single submitter. Criteria: GeneDx Variant Classification Process June 2021. Collection method: clinical testing. Allele origin: germline. Affected: yes.

Center for Human Genetics, Inc
Classification: Likely benign for Connective tissue disorder. Last evaluated: 2016-11-01. Review status: criteria provided, single submitter. Criteria: ACMG Guidelines, 2015. Collection method: clinical testing. Allele origin: germline. Affected: yes.

NM_001854.4(COL11A1):c.1945-7C>A

Gene: COL11A1 (collagen type XI alpha 1 chain; minus strand). Cytogenetic location: 1p21.1.
Variant type: single nucleotide variant.
Coding change: c.1945-7C>A on transcript NM_001854.4 (MANE Select); 7 bases into the intron before coding-DNA position 1945, C replaced by A.
Molecular consequence: intron variant.
Genome position (GRCh38, 1-based): chr1:103,003,275, G>T on the plus strand (C>A on the coding strand, the complement: COL11A1 is on the minus strand). VCF-style: chr1-103003275-G-T. GRCh37 (hg19) VCF-style: chr1-103468831-G-T.
Other names: c.1828-7C>A (NM_001190709.2); c.1981-7C>A (NM_080629.3); c.1597-7C>A (NM_080630.4).
Identifiers: ClinVar variation 547203 (VCV000547203.14), dbSNP rs201424786, ClinGen allele CA974726.